The following is an entry in ClinVar:

ClinVar aggregate classification (germline): Uncertain significance (1 of 4 stars; one submission).

gnomAD v4.1: 51 of 1,614,050 alleles (0.0032%); highest among the groups gnomAD compares: Admixed American, 0.085%; no homozygotes.

Submission:

GeneDx
Classification: Uncertain significance. Last evaluated: 2025-09-30. Review status: criteria provided, single submitter. Criteria: GeneDx Variant Classification Process June 2021. Collection method: clinical testing. Allele origin: germline.
Comment: In silico analysis suggests that this missense variant does not alter protein structure/function; Has not been previously published as pathogenic or benign to our knowledge

NM_001142784.3(IL11RA):c.467C>G (p.Ala156Gly)

Gene: IL11RA (interleukin 11 receptor subunit alpha; plus strand). Cytogenetic location: 9p13.3.
Variant type: single nucleotide variant.
Coding change: c.467C>G on transcript NM_001142784.3 (MANE Select); coding-DNA position 467, C replaced by G.
Protein change: p.Ala156Gly; replaces alanine 156 with glycine.
Molecular consequence: missense variant. On other transcripts: non-coding transcript variant (1).
Genome position (GRCh38, 1-based): chr9:34,657,323, C>G. VCF-style: chr9-34657323-C-G. GRCh37 (hg19) VCF-style: chr9-34657320-C-G.
Other names: short protein forms A156G.
Identifiers: ClinVar variation 3381741 (VCV003381741.2).
Genomic context (GRCh38, chr9:34,657,323, plus strand): 5'-TCTTTTCCTTCCTGACTTCAGATGGCCCCCTCCCCACCAGGAAGAAGACAGTCCTAGGAG[C>G]TGATAGCCAGAGGTAGGACGTGAGGGAGCATGTGGGGGCTCCAGCTGGGTCCCACAGTAG-3'
Protein context (NP_001136256.1, residues 146-166): TSYRKKTVLG[Ala156Gly]DSQRRSPSTG